The following is an entry in ClinVar:

ClinVar aggregate classification (germline): Uncertain significance (1 of 4 stars; one submission).

Allele frequency attached by ClinVar (database versions not stated): gnomAD 0.00001; TOPMed 0.00002.
gnomAD v4.1: 4 of 1,609,400 alleles (0.00025%); highest among the groups gnomAD compares: East Asian, 0.0089%; no homozygotes.

Submission:

Labcorp Genetics (formerly Invitae), Labcorp
Classification: Uncertain significance. Last evaluated: 2024-06-13. Review status: criteria provided, single submitter. Criteria: Invitae Variant Classification Sherloc (09022015). Collection method: clinical testing. Allele origin: germline.
Comment: This sequence change replaces alanine, which is neutral and non-polar, with proline, which is neutral and non-polar, at codon 95 of the TOPORS protein (p.Ala95Pro). This variant is present in population databases (rs200702814, gnomAD 0.02%). This missense change has been observed in individual(s) with retinal dystrophy (Invitae). ClinVar contains an entry for this variant (Variation ID: 958762). An algorithm developed to predict the effect of missense changes on protein structure and function (PolyPhen-2) suggests that this variant is likely to be disruptive. In summary, the available evidence is currently insufficient to determine the role of this variant in disease. Therefore, it has been classified as a Variant of Uncertain Significance.

NM_005802.5(TOPORS):c.283G>C (p.Ala95Pro)

Gene: TOPORS (TOP1 binding arginine/serine rich protein, E3 ubiquitin ligase; minus strand). Cytogenetic location: 9p21.1.
Variant type: single nucleotide variant.
Coding change: c.283G>C on transcript NM_005802.5 (MANE Select); coding-DNA position 283, G replaced by C.
Protein change: p.Ala95Pro; replaces alanine 95 with proline.
Molecular consequence: missense variant.
Genome position (GRCh38, 1-based): chr9:32,544,242, C>G on the plus strand (G>C on the coding strand, the complement: TOPORS is on the minus strand). VCF-style: chr9-32544242-C-G. GRCh37 (hg19) VCF-style: chr9-32544240-C-G.
Other names: c.88G>C, p.Ala30Pro (NM_001195622.2); short protein forms A30P, A95P.
Identifiers: ClinVar variation 958762 (VCV000958762.9), dbSNP rs200702814, ClinGen allele CA5020665.